The following is an entry in ClinVar:

ClinVar aggregate classification (germline): Uncertain significance. Review status: criteria provided, multiple submitters, no conflicts (2 of 4 stars). 4 submissions from 4 submitters: Uncertain significance (4). Last evaluated 2024-10-30.

Conditions:
CDH23-related disorder. Also called: CDH23-related condition; CDH23-related disorders.

Allele frequency attached by ClinVar (database versions not stated): gnomAD exomes below 0.00001; TOPMed 0.00001; ExAC 0.00005.
gnomAD v4.1: 6 of 1,606,948 alleles (0.00037%); highest among the groups gnomAD compares: East Asian, 0.0067%; no homozygotes.

Submissions (4):

PreventionGenetics, part of Exact Sciences
Classification: Uncertain significance for CDH23-related condition. Last evaluated: 2024-10-30. Review status: criteria provided, single submitter. Criteria: ACMG Guidelines, 2015. Collection method: clinical testing. Allele origin: germline.
Comment: The CDH23 c.2996T>C variant is predicted to result in the amino acid substitution p.Val999Ala. To our knowledge, this variant has not been reported in the literature. This variant is reported in 0.0060% of alleles in individuals of Latino descent in gnomAD. At this time, the clinical significance of this variant is uncertain due to the absence of conclusive functional and genetic evidence.

Blueprint Genetics
Classification: Uncertain significance. Last evaluated: 2023-03-29. Review status: criteria provided, single submitter. Criteria: ACMG Guidelines, 2015. Collection method: clinical testing. Allele origin: germline.

GeneDx
Classification: Uncertain significance. Last evaluated: 2022-11-21. Review status: criteria provided, single submitter. Criteria: GeneDx Variant Classification Process June 2021. Collection method: clinical testing. Allele origin: germline. Affected: yes.
Comment: Not observed at significant frequency in large population cohorts (gnomAD); In silico analysis supports that this missense variant does not alter protein structure/function; Has not been previously published as pathogenic or benign to our knowledge

Labcorp Genetics (formerly Invitae), Labcorp
Classification: Uncertain significance. Last evaluated: 2022-09-27. Review status: criteria provided, single submitter. Criteria: Invitae Variant Classification Sherloc (09022015). Collection method: clinical testing. Allele origin: germline.
Comment: This sequence change replaces valine, which is neutral and non-polar, with alanine, which is neutral and non-polar, at codon 999 of the CDH23 protein (p.Val999Ala). This variant is present in population databases (rs756723824, gnomAD 0.006%). This variant has not been reported in the literature in individuals affected with CDH23-related conditions. Advanced modeling of protein sequence and biophysical properties (such as structural, functional, and spatial information, amino acid conservation, physicochemical variation, residue mobility, and thermodynamic stability) performed at Invitae indicates that this missense variant is not expected to disrupt CDH23 protein function. In summary, the available evidence is currently insufficient to determine the role of this variant in disease. Therefore, it has been classified as a Variant of Uncertain Significance.

NM_022124.6(CDH23):c.2996T>C (p.Val999Ala)

Gene: CDH23 (cadherin related 23; plus strand). Cytogenetic location: 10q22.1.
Variant type: single nucleotide variant.
Coding change: c.2996T>C on transcript NM_022124.6 (MANE Select); coding-DNA position 2996, T replaced by C.
Protein change: p.Val999Ala; replaces valine 999 with alanine.
Molecular consequence: missense variant.
Genome position (GRCh38, 1-based): chr10:71,706,939, T>C. VCF-style: chr10-71706939-T-C. GRCh37 (hg19) VCF-style: chr10-73466696-T-C.
Other names: c.2996T>C (NM_022124.5); c.2996T>C, p.Val999Ala (NM_001171930.2, NM_001171931.2); short protein forms V999A.
Identifiers: ClinVar variation 2154389 (VCV002154389.4), dbSNP rs756723824, ClinGen allele CA5544419.